The following is an entry in ClinVar:

NM_017802.4(DNAAF5):c.905+4C>T

Gene: DNAAF5 (dynein axonemal assembly factor 5; plus strand). Cytogenetic location: 7p22.3.
Variant type: single nucleotide variant.
Coding change: c.905+4C>T on transcript NM_017802.4 (MANE Select); 4 bases into the intron after coding-DNA position 905, C replaced by T.
Molecular consequence: intron variant.
Genome position (GRCh38, 1-based): chr7:740,947, C>T. VCF-style: chr7-740947-C-T. GRCh37 (hg19) VCF-style: chr7-780584-C-T.
Other names: c.905+4C>T (NM_017802.3).
Identifiers: ClinVar variation 1013954 (VCV001013954.9), dbSNP rs377210150, ClinGen allele CA4110504.
Genomic context (GRCh38, chr7:740,947, plus strand): 5'-CCACAAGCTCATCCCTCTGCTGCTCAGTAGCCTCAACGACGAGGTGCCTGAGGTCAGGTA[C>T]GTGGGCAGGCGGCCGCGGGCCTTGTCTTCCTAAACGGTCATGTGTAGCAGTGGTGGTTTC-3'

ClinVar aggregate classification (germline): Uncertain significance. Review status: criteria provided, multiple submitters, no conflicts (2 of 4 stars). 3 submissions from 3 submitters: Uncertain significance (2). 1 of the submissions does not count toward it. Last evaluated 2026-01-05.

Conditions:
Primary ciliary dyskinesia. Also called: Ciliary dyskinesia. Identifiers: Orphanet 244, MedGen C0008780, MONDO:0016575, HP:0012265.
DNAAF5-related disorder. Also called: DNAAF5-related condition.

Allele frequency attached by ClinVar (database versions not stated): ESP Exome Variant Server 0.00015; TOPMed 0.00005.
gnomAD v4.1: 149 of 1,612,128 alleles (0.0092%); highest among the groups gnomAD compares: Non-Finnish European, 0.012%; no homozygotes.

Submissions (3):

Ambry Genetics
Classification: Uncertain significance for Primary ciliary dyskinesia. Last evaluated: 2026-01-05. Review status: criteria provided, single submitter. Criteria: Ambry Variant Classification Scheme 2023. Collection method: clinical testing. Allele origin: germline.
Comment: The c.905+4C>T intronic variant results from a C to T substitution 4 nucleotides after coding exon 3 in the DNAAF5 gene. This nucleotide position is poorly conserved in available vertebrate species. In silico splice site analysis predicts that this alteration will not have any significant effect on splicing. Based on the available evidence, the clinical significance of this variant remains unclear.

Labcorp Genetics (formerly Invitae), Labcorp
Classification: Uncertain significance for Primary ciliary dyskinesia. Last evaluated: 2021-08-28. Review status: criteria provided, single submitter. Criteria: Invitae Variant Classification Sherloc (09022015). Collection method: clinical testing. Allele origin: germline.
Comment: This sequence change falls in intron 3 of the DNAAF5 gene. It does not directly change the encoded amino acid sequence of the DNAAF5 protein. It affects a nucleotide within the consensus splice site of the intron. This variant is present in population databases (rs377210150, ExAC 0.006%). This variant has not been reported in the literature in individuals affected with DNAAF5-related conditions. Variants that disrupt the consensus splice site are a relatively common cause of aberrant splicing (PMID: 17576681, 9536098). Algorithms developed to predict the effect of sequence changes on RNA splicing suggest that this variant is not likely to affect RNA splicing. In summary, the available evidence is currently insufficient to determine the role of this variant in disease. Therefore, it has been classified as a Variant of Uncertain Significance.

PreventionGenetics, part of Exact Sciences
Classification: Likely benign for DNAAF5-related condition. Last evaluated: 2022-04-05. Review status: no assertion criteria provided. Collection method: clinical testing. Allele origin: germline. Not counted in ClinVar's aggregate classification.
Comment: This variant is classified as likely benign based on ACMG/AMP sequence variant interpretation guidelines (Richards et al. 2015 PMID: 25741868, with internal and published modifications).

Literature cited by the submitters: PubMed 17576681 (cited by Labcorp Genetics (formerly Invitae), Labcorp); PubMed 9536098 (cited by Labcorp Genetics (formerly Invitae), Labcorp).